The following is an entry in ClinVar:

NM_001329630.2(PLEKHA7):c.3087G>A (p.Ser1029=)

Gene: PLEKHA7 (pleckstrin homology domain containing A7; minus strand). Cytogenetic location: 11p15.2.
Variant type: single nucleotide variant.
Coding change: c.3087G>A on transcript NM_001329630.2 (MANE Select); coding-DNA position 3087, G replaced by A.
Protein change: p.Ser1029=; no amino-acid change (serine 1029 retained).
Molecular consequence: synonymous variant.
Genome position (GRCh38, 1-based): chr11:16,789,844, C>T on the plus strand (G>A on the coding strand, the complement: PLEKHA7 is on the minus strand). VCF-style: chr11-16789844-C-T. GRCh37 (hg19) VCF-style: chr11-16811391-C-T.
Other names: c.3090G>A, p.Ser1030= (NM_001329631.2, NM_001410960.1); c.3087G>A, p.Ser1029= (NM_175058.5).
Identifiers: ClinVar variation 4979554 (VCV004979554.1).

ClinVar aggregate classification (germline): Likely benign (1 of 4 stars; one submission).

Conditions:
PLEKHA7-related disorder. Also called: PLEKHA7-related condition.

gnomAD v4.1: 18 of 1,614,090 alleles (0.0011%); highest among the groups gnomAD compares: African/African-American, 0.0093%; no homozygotes.

Submission:

PreventionGenetics, part of Exact Sciences
Classification: Likely benign for PLEKHA7-related condition. Last evaluated: 2025-04-23. Review status: criteria provided, single submitter. Criteria: ACMG Guidelines, 2015. Collection method: clinical testing. Allele origin: germline.
Comment: This variant is classified as likely benign based on ACMG/AMP sequence variant interpretation guidelines (Richards et al. 2015 PMID: 25741868, with internal and published modifications).